The following is an entry in ClinVar:

ClinVar aggregate classification (germline): Pathogenic. Review status: reviewed by expert panel (3 of 4 stars). 11 submissions from 11 submitters: Pathogenic (1). 10 of the submissions do not count toward it. Last evaluated 2017-03-17.

Conditions:
CFTR-related disorder (CFTR-RD). Also called: CFTR-related disorders; CFTR-related condition. Identifiers: MedGen C5924204, MONDO:7770004.
Cystic fibrosis (CF). Also called: MUCOVISCIDOSIS. Identifiers: Orphanet 586, MedGen C0010674, MONDO:0009061, OMIM 219700. Disease mechanism: loss of function.
Congenital bilateral aplasia of vas deferens from CFTR mutation (CBAVD). Identifiers: Orphanet 48, MedGen C0403814, MONDO:0010178, OMIM 277180. Disease mechanism: loss of function.

Submissions (11):

CFTR2
Classification: Pathogenic for Cystic fibrosis. Last evaluated: 2017-03-17. Review status: reviewed by expert panel. Criteria: Sosnay PR et al. (Nat Genet 2013). Collection method: research. Allele origin: germline. Affected: yes. Study: CFTR2.

Natera, Inc.
Classification: Pathogenic for CFTR-related disorders. Last evaluated: 2025-08-04. Review status: criteria provided, single submitter. Criteria: Natera Variant Classification Schema (03/2026). Collection method: clinical testing. Allele origin: germline. Not counted in ClinVar's aggregate classification.
Comment: The c.313delA variant in CFTR is a frameshift variant predicted to shift the reading frame beginning at codon 105 and leads to a stop codon 2 codons downstream. This variant is expected to result in nonsense mediated decay, truncation, or a dysfunctional protein product. This variant is rare in the general population with a frequency below the threshold expected for the associated phenotype(s). This variant has been observed in one or more individuals affected with the associated recessive disease, as either homozygous or compound heterozygous with a second variant (PMID: 26208274, 15176679, 27034411). Given the available evidence, this variant is classified as Pathogenic.

Mayo Clinic Laboratories, Mayo Clinic
Classification: Pathogenic. Last evaluated: 2024-08-05. Review status: criteria provided, single submitter. Criteria: ACMG Guidelines, 2015. Collection method: clinical testing. Allele origin: germline. Not counted in ClinVar's aggregate classification.
Comment: PP5, PM2, PM3, PVS1

Labcorp Genetics (formerly Invitae), Labcorp
Classification: Pathogenic for Cystic fibrosis. Last evaluated: 2023-09-10. Review status: criteria provided, single submitter. Criteria: Invitae Variant Classification Sherloc (09022015). Collection method: clinical testing. Allele origin: germline. Not counted in ClinVar's aggregate classification.
Comment: For these reasons, this variant has been classified as Pathogenic. ClinVar contains an entry for this variant (Variation ID: 48684). This variant is also known as 444delA. This premature translational stop signal has been observed in individual(s) with clinical features of cystic fibrosis (PMID: 1710600, 26208274, 28546993). This variant is present in population databases (rs779091180, gnomAD 0.007%). This sequence change creates a premature translational stop signal (p.Ile105Serfs*2) in the CFTR gene. It is expected to result in an absent or disrupted protein product. Loss-of-function variants in CFTR are known to be pathogenic (PMID: 1695717, 7691345, 9725922).

Johns Hopkins Genomics, Johns Hopkins University
Classification: Pathogenic for Cystic fibrosis. Last evaluated: 2022-11-23. Review status: criteria provided, single submitter. Criteria: ACMG Guidelines, 2015. Collection method: clinical testing. Allele origin: germline. Not counted in ClinVar's aggregate classification.

Women's Health and Genetics/Laboratory Corporation of America, LabCorp
Classification: Pathogenic for Cystic fibrosis. Last evaluated: 2020-03-08. Review status: criteria provided, single submitter. Criteria: LabCorp Variant Classification Summary - May 2015. Collection method: clinical testing. Allele origin: germline. Not counted in ClinVar's aggregate classification.
Comment: Variant summary: CFTR c.313delA (p.Ile105SerfsX2) results in a premature termination codon, predicted to cause a truncation of the encoded protein or absence of the protein due to nonsense mediated decay, which are commonly known mechanisms for disease. Truncations downstream of this position have been classified as pathogenic by our laboratory. The variant allele was found at a frequency of 4e-06 in 251136 control chromosomes (gnomAD). c.313delA has been reported in the literature, in compound heterozygous or homozygous state, in multiple individuals affected with Cystic Fibrosis (e.g. Behar_2017, Decaestecker_2004, Siryani_2015). These data indicate that the variant is very likely to be associated with disease. Three ClinVar submitters including an expert panel (CFTR2) (evaluation after 2014) cite the variant as pathogenic/likely pathogenic. Based on the evidence outlined above, the variant was classified as pathogenic.

Myriad Genetics, Inc.
Classification: Pathogenic for Cystic fibrosis. Last evaluated: 2019-11-12. Review status: criteria provided, single submitter. Criteria: Myriad Women's Health Autosomal Recessive and X-Linked Classification Criteria (2019). Collection method: clinical testing. Allele origin: unknown. Not counted in ClinVar's aggregate classification.
Comment: NM_000492.3(CFTR):c.313delA(I105Sfs*2, aka 444delA) is classified as pathogenic in the context of cystic fibrosis. Sources cited for classification include the following: PMID 15176679, 1710600, 9150159 and 9003508. Classification of NM_000492.3(CFTR):c.313delA(I105Sfs*2, aka 444delA) is based on the following criteria: The variant causes a premature termination codon that is expected to be targeted by nonsense-mediated mRNA decay and is reported in individuals with the relevant phenotype. Please note: this variant was assessed in the context of healthy population screening.â€šÃ„Ã¶âˆšÃ‘âˆšÂ£

Quest Diagnostics Nichols Institute San Juan Capistrano
Classification: Pathogenic. Last evaluated: 2017-10-12. Review status: criteria provided, single submitter. Criteria: Quest Diagnostics criteria. Collection method: clinical testing. Allele origin: germline. Not counted in ClinVar's aggregate classification.

Baylor Genetics
Classification: Pathogenic for Congenital bilateral aplasia of vas deferens from CFTR mutation; Cystic fibrosis. Review status: criteria provided, single submitter. Criteria: ACMG Guidelines, 2015. Collection method: clinical testing. Allele origin: germline. Not counted in ClinVar's aggregate classification.

Diagnostic Laboratory, Department of Genetics, University Medical Center Groningen
Classification: Pathogenic. Review status: no assertion criteria provided. Collection method: clinical testing. Allele origin: germline. Affected: yes. Study: VKGL Data-share Consensus. Not counted in ClinVar's aggregate classification.

Joint Genome Diagnostic Labs from Nijmegen and Maastricht, Radboudumc and MUMC+
Classification: Pathogenic. Review status: no assertion criteria provided. Collection method: clinical testing. Allele origin: germline. Affected: yes. Study: VKGL Data-share Consensus. Not counted in ClinVar's aggregate classification.

Literature cited by the submitters: PubMed 26208274 (cited by 3 submitters); PubMed 15176679 (cited by 3 submitters); PubMed 27034411 (cited by Natera, Inc.); PubMed 1710600 (cited by 3 submitters); PubMed 18456578 (cited by Mayo Clinic Laboratories, Mayo Clinic); PubMed 26282188 (cited by Mayo Clinic Laboratories, Mayo Clinic); PubMed 26708955 (cited by Mayo Clinic Laboratories, Mayo Clinic); PubMed 28546993 (cited by 3 submitters); PubMed 28944235 (cited by Mayo Clinic Laboratories, Mayo Clinic); PubMed 31036917 (cited by Mayo Clinic Laboratories, Mayo Clinic); PubMed 34782259 (cited by Mayo Clinic Laboratories, Mayo Clinic); PubMed 37310422 (cited by Mayo Clinic Laboratories, Mayo Clinic); PubMed 37980178 (cited by Mayo Clinic Laboratories, Mayo Clinic); PubMed 1695717 (cited by Labcorp Genetics (formerly Invitae), Labcorp); PubMed 7691345 (cited by Labcorp Genetics (formerly Invitae), Labcorp); PubMed 9725922 (cited by Labcorp Genetics (formerly Invitae), Labcorp); PubMed 9150159 (cited by Myriad Genetics, Inc.); PubMed 9003508 (cited by Myriad Genetics, Inc.).

NM_000492.4(CFTR):c.313del (p.Ile105fs)

Gene: CFTR (CF transmembrane conductance regulator; plus strand). Cytogenetic location: 7q31.2.
Variant type: Deletion.
Coding change: c.313del on transcript NM_000492.4 (MANE Select); coding-DNA position 313, one base deleted (A; older notation c.313delA).
Protein change: p.Ile105fs; shifts the reading frame from isoleucine 105.
Molecular consequence: frameshift variant.
Genome position (GRCh38, 1-based): chr7:117,530,938, A deleted; the last of 2 consecutive A bases (chr7:117,530,937-117,530,938); deleting either gives the same sequence. VCF-style (leftmost placement, unchanged base first): chr7-117530936-GA-G. GRCh37 (hg19) VCF-style: chr7-117170990-GA-G.
Other names: 444delA; c.313delA; p.Ile105Serfs*2; c.313delA (NM_000492.3).
Identifiers: ClinVar variation 48684 (VCV000048684.28), dbSNP rs121908801, ClinGen allele CA327059.
Genomic context (GRCh38, chr7:117,530,936, plus strand): 5'-TCTCTGTTTTTCCCCTTTTGTAGGAAGTCACCAAAGCAGTACAGCCTCTCTTACTGGGAA[GA>G]ATCATAGCTTCCTATGACCCGGATAACAAGGAGGAACGCTCTATCGCGATTTATCTAGGC-3'